The following is an entry in ClinVar:

ClinVar aggregate classification (germline): Likely pathogenic (1 of 4 stars; one submission).

Conditions:
Malignant tumor of breast. Also called: Malignant breast neoplasm; Cancer breast. Identifiers: MedGen C0006142, MONDO:0007254. Disease mechanism: loss of function.

Submission:

Women's Health and Genetics/Laboratory Corporation of America, LabCorp
Classification: Likely pathogenic for Malignant tumor of breast. Last evaluated: 2022-06-30. Review status: criteria provided, single submitter. Criteria: LabCorp Variant Classification Summary - May 2015. Collection method: clinical testing. Allele origin: germline.
Comment: Variant summary: The variant identified by MLPA or other technology involves the partial deletion of exon 8 in the PALB2 gene. A presumed nomenclature of c.(2748+1_2749-1)_(2782_2801)del has been designated for the purposes of this classification. Although exact breakpoints of this deletion are not known, it is expected to result in the removal of at least 11 amino acids from the encoded protein, disrupting the PALB2 WD40 domain (IPR031920) which is required for interaction with the BRCA2 protein (PMID: 16793542). The variant was absent in 21694 control chromosomes (gnomAD, Structural Variants dataset). To our knowledge, no occurrence of partial deletion of exon 8 in individuals affected with Breast Cancer and no experimental evidence demonstrating its impact on protein function have been reported. No clinical diagnostic laboratories have submitted clinical-significance assessments for this variant to ClinVar after 2014. Nevertheless, deletion of the genomic region encompassing the entire exon 8 has been reported in the literature in at least one family affected with breast cancer (PMID: 31841383) and has been cited in ClinVar by one submitter (evaluation after 2014) as pathogenic. Multiple other deletions or duplications of whole exons clustered in the PALB2 WD40 domain have been reported in the literature in families affected with breast, ovarian or pancreatic cancer (PMID: 31841383). Based on the evidence outlined above, the variant was classified as likely pathogenic.

NC_000016.9:g.(23635363_23635382)_(23635416_23637556)del

Gene: PALB2 (partner and localizer of BRCA2; minus strand). Cytogenetic location: 16p12.2.
Variant type: Deletion.
Identifiers: ClinVar variation 1698671 (VCV001698671.1).